The following is an entry in ClinVar:

NM_001447.3(FAT2):c.4835T>C (p.Ile1612Thr)

Genes: FAT2 (FAT atypical cadherin 2; minus strand), SLC36A1 (solute carrier family 36 member 1; plus strand). Cytogenetic location: 5q33.1.
Variant type: single nucleotide variant.
Coding change: c.4835T>C on transcript NM_001447.3 (MANE Select); coding-DNA position 4835, T replaced by C.
Protein change: p.Ile1612Thr; replaces isoleucine 1612 with threonine.
Molecular consequence: missense variant.
Genome position (GRCh38, 1-based): chr5:151,546,292, A>G on the plus strand (T>C on the coding strand, the complement: FAT2 is on the minus strand). VCF-style: chr5-151546292-A-G. GRCh37 (hg19) VCF-style: chr5-150925853-A-G.
Other names: short protein forms I1612T.
Identifiers: ClinVar variation 3277816 (VCV003277816.3).

ClinVar aggregate classification (germline): Uncertain significance. Review status: criteria provided, multiple submitters, no conflicts (2 of 4 stars). 2 submissions from 2 submitters: Uncertain significance (2). Last evaluated 2025-08-05.

gnomAD v4.1: 10 of 1,613,964 alleles (0.00062%); highest among the groups gnomAD compares: Non-Finnish European, 0.00085%; no homozygotes.

Submissions (2):

Women's Health and Genetics/Laboratory Corporation of America, LabCorp
Classification: Uncertain significance. Last evaluated: 2025-08-05. Review status: criteria provided, single submitter. Criteria: LabCorp Variant Classification Summary - May 2015. Collection method: clinical testing. Allele origin: germline.
Comment: Variant summary: FAT2 c.4835T>C (p.Ile1612Thr) results in a non-conservative amino acid change located in the Cadherin-like (IPR002126) of the encoded protein sequence. Algorithms developed to predict the effect of missense changes on protein structure and function all suggest that this variant is likely to be disruptive. The variant allele was found at a frequency of 4e-06 in 249804 control chromosomes. The available data on variant occurrences in the general population are insufficient to allow any conclusion about variant significance. To our knowledge, no occurrence of c.4835T>C in individuals affected with Spinocerebellar Ataxia 45 and no experimental evidence demonstrating its impact on protein function have been reported. ClinVar contains an entry for this variant (Variation ID: 3277816). Based on the evidence outlined above, the variant was classified as uncertain significance.

Ambry Genetics
Classification: Uncertain significance. Last evaluated: 2024-03-26. Review status: criteria provided, single submitter. Criteria: Ambry Variant Classification Scheme 2023. Collection method: clinical testing. Allele origin: germline.